The following is an entry in ClinVar:

ClinVar aggregate classification (germline): Uncertain significance (1 of 4 stars; one submission).

Conditions:
Hereditary cancer-predisposing syndrome. Also called: Neoplastic Syndromes, Hereditary; Tumor predisposition; Hereditary neoplastic syndrome; Hereditary Cancer Syndrome. Identifiers: Orphanet 140162, MedGen C0027672, MeSH D009386, MONDO:0015356.

Submission:

Ambry Genetics
Classification: Uncertain significance for Hereditary cancer-predisposing syndrome. Last evaluated: 2023-11-10. Review status: criteria provided, single submitter. Criteria: Ambry Variant Classification Scheme 2023. Collection method: clinical testing. Allele origin: germline.
Comment: The p.P1362A variant (also known as c.4084C>G), located in coding exon 23 of the PTCH1 gene, results from a C to G substitution at nucleotide position 4084. The proline at codon 1362 is replaced by alanine, an amino acid with highly similar properties. This amino acid position is conserved. In addition, this alteration is predicted to be tolerated by in silico analysis. Since supporting evidence is limited at this time, the clinical significance of this alteration remains unclear.

NM_000264.5(PTCH1):c.4084C>G (p.Pro1362Ala)

Gene: PTCH1 (patched 1; minus strand). Cytogenetic location: 9q22.32.
Variant type: single nucleotide variant.
Coding change: c.4084C>G on transcript NM_000264.5 (MANE Select); coding-DNA position 4084, C replaced by G.
Protein change: p.Pro1362Ala; replaces proline 1362 with alanine.
Molecular consequence: missense variant. On other transcripts: non-coding transcript variant (1).
Genome position (GRCh38, 1-based): chr9:95,447,172, G>C on the plus strand (C>G on the coding strand, the complement: PTCH1 is on the minus strand). VCF-style: chr9-95447172-G-C. GRCh37 (hg19) VCF-style: chr9-98209454-G-C.
Other names: c.3886C>G, p.Pro1296Ala (NM_001083602.3); c.4081C>G, p.Pro1361Ala (NM_001083603.3); c.3631C>G, p.Pro1211Ala (NM_001083604.3, NM_001083605.3, NM_001083606.3 and 1 more transcripts); c.3928C>G, p.Pro1310Ala (NM_001354918.2); short protein forms P1211A, P1296A, P1310A, P1361A, P1362A.
Identifiers: ClinVar variation 3231043 (VCV003231043.1), dbSNP rs1838001528, ClinGen allele CA374110350.
Genomic context (GRCh38, chr9:95,447,172, plus strand): 5'-GCACGGCGACAGTCACGGAGGCAGAAGCCGTCACAGTGGTGATGGGCTGGCAGTAGCCGG[G>C]CACGGAGCTGCCCATGGCAGTGGACGCTGGGTTCCGAGGGTTGTGAGAACGGGCCCCGCG-3'
Protein context (NP_000255.2, residues 1352-1372): PASTAMGSSV[Pro1362Ala]GYCQPITTVT